The following is an entry in ClinVar:

NM_001378452.1(ITPR1):c.1610G>A (p.Arg537Gln)

Gene: ITPR1 (inositol 1,4,5-trisphosphate receptor type 1; plus strand). Cytogenetic location: 3p26.1.
Variant type: single nucleotide variant.
Coding change: c.1610G>A on transcript NM_001378452.1 (MANE Select); coding-DNA position 1610, G replaced by A.
Protein change: p.Arg537Gln; replaces arginine 537 with glutamine.
Molecular consequence: missense variant.
Genome position (GRCh38, 1-based): chr3:4,665,193, G>A. VCF-style: chr3-4665193-G-A. GRCh37 (hg19) VCF-style: chr3-4706877-G-A.
Other names: c.1610G>A, p.Arg537Gln (NM_001099952.4); c.1565G>A, p.Arg522Gln (NM_001168272.2, NM_002222.7); short protein forms R522Q, R537Q.
Identifiers: ClinVar variation 1503824 (VCV001503824.5), dbSNP rs749386587, ClinGen allele CA2231230.

ClinVar aggregate classification (germline): Uncertain significance (1 of 4 stars; one submission).

Allele frequency attached by ClinVar (database versions not stated): gnomAD 0.00001; TOPMed 0.00001; gnomAD exomes 0.00002; ExAC 0.00003.
gnomAD v4.1: 33 of 1,613,836 alleles (0.002%); highest among the groups gnomAD compares: South Asian, 0.0055%; no homozygotes.

Submission:

Labcorp Genetics (formerly Invitae), Labcorp
Classification: Uncertain significance. Last evaluated: 2021-08-14. Review status: criteria provided, single submitter. Criteria: Invitae Variant Classification Sherloc (09022015). Collection method: clinical testing. Allele origin: germline.
Comment: This sequence change replaces arginine with glutamine at codon 522 of the ITPR1 protein (p.Arg522Gln). The arginine residue is highly conserved and there is a small physicochemical difference between arginine and glutamine. This variant is present in population databases (rs749386587, ExAC 0.02%). This variant has not been reported in the literature in individuals affected with ITPR1-related conditions. Algorithms developed to predict the effect of missense changes on protein structure and function (SIFT, PolyPhen-2, Align-GVGD) all suggest that this variant is likely to be tolerated. Algorithms developed to predict the effect of sequence changes on RNA splicing suggest that this variant may create or strengthen a splice site. In summary, the available evidence is currently insufficient to determine the role of this variant in disease. Therefore, it has been classified as a Variant of Uncertain Significance.